The following is an entry in ClinVar:

NC_000008.10:g.(?_100050631)_(100115368_?)del

Gene: VPS13B (vacuolar protein sorting 13 homolog B; plus strand). Cytogenetic location: 8q22.2.
Variant type: Deletion.
Identifiers: ClinVar variation 2426390 (VCV002426390.4).

ClinVar aggregate classification (germline): Pathogenic (1 of 4 stars; one submission).

Conditions:
Cohen syndrome (COH1). Also called: Cutis verticis gyrata, retinitis pigmentosa, and sensorineural deafness; PEPPER SYNDROME. Identifiers: Orphanet 193, MedGen C0265223, MONDO:0008999, OMIM 216550.

Submission:

Labcorp Genetics (formerly Invitae), Labcorp
Classification: Pathogenic for Cohen syndrome. Last evaluated: 2022-04-22. Review status: criteria provided, single submitter. Criteria: Invitae Variant Classification Sherloc (09022015). Collection method: clinical testing. Allele origin: germline.
Comment: This variant is a gross deletion of the genomic region encompassing exon(s) 3-5 of the VPS13B gene. This deletion is out-of-frame, and is expected to create a premature termination codon and result in an absent or disrupted protein product. Loss-of-function variants in VPS13B are known to be pathogenic (PMID: 15141358, 16648375, 20461111). This variant has not been reported in the literature in individuals affected with VPS13B-related conditions. For these reasons, this variant has been classified as Pathogenic.

Literature cited by the submitters: PubMed 15141358; PubMed 16648375; PubMed 20461111.